The following is an entry in ClinVar:

ClinVar aggregate classification (germline): Pathogenic (1 of 4 stars; one submission).

Submission:

Labcorp Genetics (formerly Invitae), Labcorp
Classification: Pathogenic. Last evaluated: 2023-08-16. Review status: criteria provided, single submitter. Criteria: Invitae Variant Classification Sherloc (09022015). Collection method: clinical testing. Allele origin: germline.
Comment: For these reasons, this variant has been classified as Pathogenic. Algorithms developed to predict the effect of sequence changes on RNA splicing suggest that this variant may disrupt the consensus splice site. This variant has not been reported in the literature in individuals affected with USH2A-related conditions. This variant is not present in population databases (gnomAD no frequency). This sequence change creates a premature translational stop signal (p.Asp1675Valfs*5) in the USH2A gene. It is expected to result in an absent or disrupted protein product. Loss-of-function variants in USH2A are known to be pathogenic (PMID: 10729113, 10909849, 20507924, 25649381).

Literature cited by the submitters: PubMed 10729113; PubMed 10909849; PubMed 20507924; PubMed 25649381.

NM_206933.4(USH2A):c.5024del (p.Asp1675fs)

Genes: USH2A (usherin; minus strand), USH2A-AS2 (USH2A antisense RNA 2; plus strand). Cytogenetic location: 1q41.
Variant type: Deletion.
Coding change: c.5024del on transcript NM_206933.4 (MANE Select); coding-DNA position 5024, one base deleted (A; older notation c.5024delA).
Protein change: p.Asp1675fs; shifts the reading frame from aspartic acid 1675.
Molecular consequence: frameshift variant.
Genome position (GRCh38, 1-based): chr1:216,084,841, T deleted on the plus strand (A on the coding strand, the reverse complement: USH2A is on the minus strand). VCF-style (leftmost placement, unchanged base first): chr1-216084840-AT-A. GRCh37 (hg19) VCF-style: chr1-216258182-AT-A.
Other names: short protein forms D1675fs.
Identifiers: ClinVar variation 2752968 (VCV002752968.3), dbSNP rs2527808870, ClinGen allele CA2697554921.
Genomic context (GRCh38, chr1:216,084,840, plus strand): 5'-ACTCTGCCAATCCAGAGGTTCCCAAATAGCTGACGGATTGTAATTCTTCATAAAATGTAC[AT>A]CCTTGAGACAGCCCACAAAACCTTTTTGGATTATCTCTGCAGGAGTTTATAGATATCAAG-3'